The following is an entry in ClinVar:

ClinVar aggregate classification (germline): Conflicting classifications of pathogenicity. Review status: criteria provided, conflicting classifications (1 of 4 stars). 2 submissions from 2 submitters: Likely pathogenic (1); Uncertain significance (1). Last evaluated 2021-12-27.

Submissions (2):

Labcorp Genetics (formerly Invitae), Labcorp
Classification: Uncertain significance. Last evaluated: 2021-12-27. Review status: criteria provided, single submitter. Criteria: Invitae Variant Classification Sherloc (09022015). Collection method: clinical testing. Allele origin: germline.
Comment: This sequence change replaces leucine, which is neutral and non-polar, with proline, which is neutral and non-polar, at codon 175 of the TYR protein (p.Leu175Pro). This variant is not present in population databases (gnomAD no frequency). This variant has not been reported in the literature in individuals affected with TYR-related conditions. ClinVar contains an entry for this variant (Variation ID: 421753). Advanced modeling of protein sequence and biophysical properties (such as structural, functional, and spatial information, amino acid conservation, physicochemical variation, residue mobility, and thermodynamic stability) performed at Invitae indicates that this missense variant is expected to disrupt TYR protein function. In summary, the available evidence is currently insufficient to determine the role of this variant in disease. Therefore, it has been classified as a Variant of Uncertain Significance.

GeneDx
Classification: Likely pathogenic. Last evaluated: 2016-08-12. Review status: criteria provided, single submitter. Criteria: GeneDx Variant Classification (06012015). Collection method: clinical testing. Allele origin: germline. Affected: yes.
Comment: The L175P variant in the TYR gene has not been reported previously as a pathogenic variant, nor as a benign variant, to our knowledge. The L175P variant was not observed in approximately 6,500 individuals of European and African American ancestry in the NHLBI Exome Sequencing Project, indicating it is not a common variant in these populations. The L175P variant is a semi-conservative amino acid substitution, which may impact secondary protein structure as these residues differ in some properties. This substitution occurs at a position where amino acids with similar properties to Leucine are tolerated across species. In silico analysis predicts this variant is probably damaging to the protein structure/function. Missense variants in nearby residues (F176I, V177F, V177D, M179L, H180N, H180R) have been reported in the Human Gene Mutation Database in association with oculocutaneous albinism type 1 (Stenson et al., 2014), supporting the functional importance of this region of the protein. We interpret L175P as a likely pathogenic variant.

NM_000372.5(TYR):c.524T>C (p.Leu175Pro)

Gene: TYR (tyrosinase; plus strand). Cytogenetic location: 11q14.3.
Variant type: single nucleotide variant.
Coding change: c.524T>C on transcript NM_000372.5 (MANE Select); coding-DNA position 524, T replaced by C.
Protein change: p.Leu175Pro; replaces leucine 175 with proline.
Molecular consequence: missense variant.
Genome position (GRCh38, 1-based): chr11:89,178,477, T>C. VCF-style: chr11-89178477-T-C. GRCh37 (hg19) VCF-style: chr11-88911645-T-C.
Other names: short protein forms L175P.
Identifiers: ClinVar variation 421753 (VCV000421753.4), dbSNP rs1064795343, ClinGen allele CA16619415.
Genomic context (GRCh38, chr11:89,178,477, plus strand): 5'-CCTATGGCCAAATGAAAAATGGATCAACACCCATGTTTAACGACATCAATATTTATGACC[T>C]CTTTGTCTGGATGCATTATTATGTGTCAATGGATGCACTGCTTGGGGGATCTGAAATCTG-3'
Protein context (NP_000363.1, residues 165-185): PMFNDINIYD[Leu175Pro]FVWMHYYVSM